The following is an entry in ClinVar:

NM_022552.5(DNMT3A):c.976C>T (p.Arg326Cys)

Gene: DNMT3A (DNA methyltransferase 3 alpha; minus strand). Cytogenetic location: 2p23.3.
Variant type: single nucleotide variant.
Coding change: c.976C>T on transcript NM_022552.5 (MANE Select); coding-DNA position 976, C replaced by T.
Protein change: p.Arg326Cys; replaces arginine 326 with cysteine.
Molecular consequence: missense variant. On other transcripts: non-coding transcript variant (1).
Genome position (GRCh38, 1-based): chr2:25,247,629, G>A on the plus strand (C>T on the coding strand, the complement: DNMT3A is on the minus strand). VCF-style: chr2-25247629-G-A. GRCh37 (hg19) VCF-style: chr2-25470498-G-A.
Other names: c.520C>T, p.Arg174Cys (NM_001320893.1); c.307C>T, p.Arg103Cys (NM_001375819.1); c.409C>T, p.Arg137Cys (NM_153759.3); c.976C>T, p.Arg326Cys (NM_175629.2); short protein forms R103C, R137C, R174C, R326C.
Identifiers: ClinVar variation 2500597 (VCV002500597.1), dbSNP rs747448117, ClinGen allele CA1556233.

ClinVar aggregate classification (germline): Uncertain significance (1 of 4 stars; one submission).

Submission:

GeneDx
Classification: Uncertain significance. Last evaluated: 2022-10-28. Review status: criteria provided, single submitter. Criteria: GeneDx Variant Classification Process June 2021. Collection method: clinical testing. Allele origin: germline. Affected: yes.
Comment: In silico analysis supports that this missense variant has a deleterious effect on protein structure/function; Has not been previously published as pathogenic or benign germline variant to our knowledge; This variant is associated with the following publications: (PMID: Young 2017_Abstract, 35734594, 26950655, 31135094, 32355762, 36013314, 35914495, 32736382, 35671390, 36106393, 33255857)